The following is an entry in ClinVar:

ClinVar aggregate classification (germline): Conflicting classifications of pathogenicity. Review status: criteria provided, conflicting classifications (1 of 4 stars). 7 submissions from 7 submitters: Uncertain significance (1); Benign (2); Likely benign (2). 2 of the submissions do not count toward it. Last evaluated 2026-09-01.

Conditions:
Hyperaldosteronism, familial, type IV (HALD4). Also called: FH IV; ALDOSTERONISM, PRIMARY, AND HYPERTENSION. Identifiers: Orphanet 642671, MedGen C4310756, MONDO:0014875, OMIM 617027.
Idiopathic generalized epilepsy. Also called: Generalised epilepsy; EIG. Identifiers: MedGen C0270850, MONDO:0005579, OMIM 600669.

Allele frequency attached by ClinVar (database versions not stated): 1000 Genomes Project 30x 0.00141; 1000 Genomes Project 0.00160; ESP Exome Variant Server 0.00228; TOPMed 0.00294; gnomAD 0.00296 and 0.00299; gnomAD exomes 0.00357; ExAC 0.00390.
gnomAD v4.1: 5,986 of 1,576,242 alleles (0.38%); highest among the groups gnomAD compares: Non-Finnish European, 0.43%; 23 homozygotes.

Submissions (7):

CeGaT Center for Human Genetics Tuebingen
Classification: Likely benign. Last evaluated: 2026-09-01. Review status: criteria provided, single submitter. Criteria: CeGaT Center For Human Genetics Tuebingen Variant Classification Criteria Version 2. Collection method: clinical testing. Allele origin: germline. Affected: yes. Observed: 6 variant alleles.
Comment: CACNA1H: BS2

Labcorp Genetics (formerly Invitae), Labcorp
Classification: Benign for Idiopathic generalized epilepsy; Hyperaldosteronism, familial, type IV. Last evaluated: 2026-02-02. Review status: criteria provided, single submitter. Criteria: Invitae Variant Classification Sherloc (09022015). Collection method: clinical testing. Allele origin: germline.

Athena Diagnostics
Classification: Benign. Last evaluated: 2025-02-06. Review status: criteria provided, single submitter. Criteria: Athena Diagnostics Criteria. Collection method: clinical testing. Allele origin: unknown.
Comment: The frequency of this variant in the general population is higher than would generally be expected for pathogenic variants in this gene.

Blueprint Genetics
Classification: Likely benign. Last evaluated: 2024-11-27. Review status: criteria provided, single submitter. Criteria: ACMG Guidelines, 2015. Collection method: clinical testing. Allele origin: germline.

GeneDx
Classification: Uncertain significance. Last evaluated: 2024-10-17. Review status: criteria provided, single submitter. Criteria: GeneDx Variant Classification Process June 2021. Collection method: clinical testing. Allele origin: germline. Affected: yes.
Comment: In silico analysis supports that this missense variant has a deleterious effect on protein structure/function; This variant is associated with the following publications: (PMID: 35350424, 36786913)

Genome Diagnostics Laboratory, University Medical Center Utrecht
Classification: Likely benign. Review status: no assertion criteria provided. Collection method: clinical testing. Allele origin: germline. Affected: yes. Study: VKGL Data-share Consensus. Not counted in ClinVar's aggregate classification.

Laboratory of Diagnostic Genome Analysis, Leiden University Medical Center (LUMC)
Classification: Likely benign. Review status: no assertion criteria provided. Collection method: clinical testing. Allele origin: germline. Affected: yes. Study: VKGL Data-share Consensus. Not counted in ClinVar's aggregate classification.

NM_021098.3(CACNA1H):c.2354A>T (p.Lys785Met)

Gene: CACNA1H (calcium voltage-gated channel subunit alpha1 H; plus strand). Cytogenetic location: 16p13.3.
Variant type: single nucleotide variant.
Coding change: c.2354A>T on transcript NM_021098.3 (MANE Select); coding-DNA position 2354, A replaced by T.
Protein change: p.Lys785Met; replaces lysine 785 with methionine.
Molecular consequence: missense variant.
Genome position (GRCh38, 1-based): chr16:1,204,361, A>T. VCF-style: chr16-1204361-A-T. GRCh37 (hg19) VCF-style: chr16-1254361-A-T.
Other names: c.2354A>T, p.Lys785Met (NM_001005407.2); short protein forms K785M.
Identifiers: ClinVar variation 460063 (VCV000460063.40), dbSNP rs28365117, ClinGen allele CA7800213.